The following is an entry in ClinVar:

NM_053025.4(MYLK):c.1996T>G (p.Ser666Ala)

Gene: MYLK (myosin light chain kinase; minus strand). Cytogenetic location: 3q21.1.
Variant type: single nucleotide variant.
Coding change: c.1996T>G on transcript NM_053025.4 (MANE Select); coding-DNA position 1996, T replaced by G.
Protein change: p.Ser666Ala; replaces serine 666 with alanine.
Molecular consequence: missense variant.
Genome position (GRCh38, 1-based): chr3:123,708,842, A>C on the plus strand (T>G on the coding strand, the complement: MYLK is on the minus strand). VCF-style: chr3-123708842-A-C. GRCh37 (hg19) VCF-style: chr3-123427689-A-C.
Other names: c.1468T>G, p.Ser490Ala (NM_001321309.2); c.1789T>G, p.Ser597Ala (NM_053026.4, NM_053028.4); c.1996T>G, p.Ser666Ala (NM_053027.4); short protein forms S666A, S597A, S490A.
Identifiers: ClinVar variation 3706286 (VCV003706286.2).

ClinVar aggregate classification (germline): Uncertain significance (1 of 4 stars; one submission).

Conditions:
Aortic aneurysm, familial thoracic 7 (AAT7). Also called: AORTIC DISSECTION, FAMILIAL, WITH OR WITHOUT AORTIC ANEURYSM. Identifiers: MedGen C3151077, MONDO:0013418, OMIM 613780.

gnomAD v4.1: 17 of 1,613,684 alleles (0.0011%); highest among the groups gnomAD compares: Non-Finnish European, 0.0014%; no homozygotes.

Submission:

Labcorp Genetics (formerly Invitae), Labcorp
Classification: Uncertain significance for Aortic aneurysm, familial thoracic 7. Last evaluated: 2024-04-09. Review status: criteria provided, single submitter. Criteria: Invitae Variant Classification Sherloc (09022015). Collection method: clinical testing. Allele origin: germline.
Comment: This sequence change replaces serine, which is neutral and polar, with alanine, which is neutral and non-polar, at codon 666 of the MYLK protein (p.Ser666Ala). This variant is not present in population databases (gnomAD no frequency). This variant has not been reported in the literature in individuals affected with MYLK-related conditions. Advanced modeling of protein sequence and biophysical properties (such as structural, functional, and spatial information, amino acid conservation, physicochemical variation, residue mobility, and thermodynamic stability) performed at Invitae indicates that this missense variant is not expected to disrupt MYLK protein function with a negative predictive value of 80%. In summary, the available evidence is currently insufficient to determine the role of this variant in disease. Therefore, it has been classified as a Variant of Uncertain Significance.